The following is an entry in ClinVar:

NM_005216.5(DDOST):c.427C>G (p.His143Asp)

Gene: DDOST (dolichyl-diphosphooligosaccharide--protein glycosyltransferase non-catalytic subunit; minus strand). Cytogenetic location: 1p36.12.
Variant type: single nucleotide variant.
Coding change: c.427C>G on transcript NM_005216.5 (MANE Select); coding-DNA position 427, C replaced by G.
Protein change: p.His143Asp; replaces histidine 143 with aspartic acid.
Molecular consequence: missense variant.
Genome position (GRCh38, 1-based): chr1:20,655,705, G>C on the plus strand (C>G on the coding strand, the complement: DDOST is on the minus strand). VCF-style: chr1-20655705-G-C. GRCh37 (hg19) VCF-style: chr1-20982198-G-C.
Other names: short protein forms H143D.
Identifiers: ClinVar variation 1441109 (VCV001441109.6), dbSNP rs2154534284, ClinGen allele CA338852610.

ClinVar aggregate classification (germline): Uncertain significance (1 of 4 stars; one submission).

Conditions:
Congenital disorder of glycosylation type Ir (CDG1R). Also called: DDOST-congenital disorder of glycosylation. Identifiers: Orphanet 300536, MedGen C3281084, MONDO:0013789, OMIM 614507.

Submission:

Labcorp Genetics (formerly Invitae), Labcorp
Classification: Uncertain significance for Congenital disorder of glycosylation type Ir. Last evaluated: 2022-11-08. Review status: criteria provided, single submitter. Criteria: Invitae Variant Classification Sherloc (09022015). Collection method: clinical testing. Allele origin: germline.
Comment: This sequence change replaces histidine, which is basic and polar, with aspartic acid, which is acidic and polar, at codon 160 of the DDOST protein (p.His160Asp). This variant is not present in population databases (gnomAD no frequency). This variant has not been reported in the literature in individuals affected with DDOST-related conditions. ClinVar contains an entry for this variant (Variation ID: 1441109). Algorithms developed to predict the effect of missense changes on protein structure and function are either unavailable or do not agree on the potential impact of this missense change (SIFT: "Tolerated"; PolyPhen-2: "Possibly Damaging"; Align-GVGD: "Class C0"). In summary, the available evidence is currently insufficient to determine the role of this variant in disease. Therefore, it has been classified as a Variant of Uncertain Significance.